The following is an entry in ClinVar:

ClinVar aggregate classification (germline): Uncertain significance (1 of 4 stars; one submission).

Conditions:
Autoimmune lymphoproliferative syndrome type 2B. Also called: AUTOIMMUNE LYMPHOPROLIFERATIVE SYNDROME, TYPE IIB. Identifiers: Orphanet 275517, MedGen C1846545, MONDO:0011804, OMIM 607271.

Submission:

Labcorp Genetics (formerly Invitae), Labcorp
Classification: Uncertain significance for Autoimmune lymphoproliferative syndrome type 2B. Last evaluated: 2024-01-29. Review status: criteria provided, single submitter. Criteria: Invitae Variant Classification Sherloc (09022015). Collection method: clinical testing. Allele origin: germline.
Comment: This sequence change replaces isoleucine, which is neutral and non-polar, with threonine, which is neutral and polar, at codon 140 of the CASP8 protein (p.Ile140Thr). This variant is not present in population databases (gnomAD no frequency). This variant has not been reported in the literature in individuals affected with CASP8-related conditions. Advanced modeling of protein sequence and biophysical properties (such as structural, functional, and spatial information, amino acid conservation, physicochemical variation, residue mobility, and thermodynamic stability) has been performed at Invitae for this missense variant, however the output from this modeling did not meet the statistical confidence thresholds required to predict the impact of this variant on CASP8 protein function. In summary, the available evidence is currently insufficient to determine the role of this variant in disease. Therefore, it has been classified as a Variant of Uncertain Significance.

NM_001372051.1(CASP8):c.323T>C (p.Ile108Thr)

Gene: CASP8 (caspase 8; plus strand). Cytogenetic location: 2q33.1.
Variant type: single nucleotide variant.
Coding change: c.323T>C on transcript NM_001372051.1 (MANE Select); coding-DNA position 323, T replaced by C.
Protein change: p.Ile108Thr; replaces isoleucine 108 with threonine.
Molecular consequence: missense variant. On other transcripts: 5 prime UTR variant (11), non-coding transcript variant (19).
Genome position (GRCh38, 1-based): chr2:201,271,533, T>C. VCF-style: chr2-201271533-T-C. GRCh37 (hg19) VCF-style: chr2-202136256-T-C.
Other names: c.323T>C, p.Ile108Thr (NM_001080124.2, NM_001400645.1, NM_001400648.1 and 20 more transcripts); c.500T>C, p.Ile167Thr (NM_001080125.2, NM_001400642.1, NM_001400665.1); c.419T>C, p.Ile140Thr (NM_001228.5); c.14T>C, p.Ile5Thr (NM_001400669.1); c.-210T>C (NM_001400671.1, NM_001400672.1, NM_001400673.1 and 6 more transcripts); c.-391T>C (NM_001400674.1); c.-289T>C (NM_001400680.1); short protein forms I140T, I5T, I108T, I167T.
Identifiers: ClinVar variation 2714040 (VCV002714040.3), dbSNP rs2470046753, ClinGen allele CA350286813.